The following is an entry in ClinVar:

NM_025103.4(IFT74):c.1711G>T (p.Asp571Tyr)

Gene: IFT74 (intraflagellar transport 74; plus strand). Cytogenetic location: 9p21.2.
Variant type: single nucleotide variant.
Coding change: c.1711G>T on transcript NM_025103.4 (MANE Select); coding-DNA position 1711, G replaced by T.
Protein change: p.Asp571Tyr; replaces aspartic acid 571 with tyrosine.
Molecular consequence: missense variant. On other transcripts: 3 prime UTR variant (1).
Genome position (GRCh38, 1-based): chr9:27,062,644, G>T. VCF-style: chr9-27062644-G-T. GRCh37 (hg19) VCF-style: chr9-27062642-G-T.
Other names: c.1711G>T, p.Asp571Tyr (NM_001099222.3, NM_001099223.3); c.*647G>T (NM_001349928.2); short protein forms D571Y.
Identifiers: ClinVar variation 4982467 (VCV004982467.1).

ClinVar aggregate classification (germline): Uncertain significance (1 of 4 stars; one submission).

Conditions:
IFT74-related disorder. Also called: IFT74-related condition; IFT74-Related Disorders.

gnomAD v4.1: 1 of 1,607,112 alleles (0.000062%); no homozygotes.

Submission:

PreventionGenetics, part of Exact Sciences
Classification: Uncertain significance for IFT74-related condition. Last evaluated: 2025-06-17. Review status: criteria provided, single submitter. Criteria: ACMG Guidelines, 2015. Collection method: clinical testing. Allele origin: germline.
Comment: The IFT74 c.1711G>T variant is predicted to result in the amino acid substitution p.Asp571Tyr. To our knowledge, this variant has not been reported in the literature. This variant is reported in 0.00089% of alleles in individuals of European (Non-Finnish) descent in gnomAD. At this time, the clinical significance of this variant is uncertain due to the absence of conclusive functional and genetic evidence.